The following is an entry in ClinVar:

ClinVar aggregate classification (germline): Uncertain significance (1 of 4 stars; one submission).

Conditions:
Pitt-Hopkins-like syndrome 2 (PTHSL2). Identifiers: Orphanet 221150, Orphanet 600663, MedGen C3280479, MONDO:0013690, OMIM 614325.

Submission:

Labcorp Genetics (formerly Invitae), Labcorp
Classification: Uncertain significance for Pitt-Hopkins-like syndrome 2. Last evaluated: 2020-08-20. Review status: criteria provided, single submitter. Criteria: Invitae Variant Classification Sherloc (09022015). Collection method: clinical testing. Allele origin: germline.
Comment: In summary, the available evidence is currently insufficient to determine the role of this variant in disease. Therefore, it has been classified as a Variant of Uncertain Significance. Experimental studies and prediction algorithms are not available or were not evaluated, and the functional significance of this variant is currently unknown. This variant is a gross deletion of the genomic region encompassing exon(s) 7-24 of the NRXN1 gene. The 5' boundary is likely confined to intron 6. The 3' end of this event is unknown as it extends through the termination codon beyond the assayed region for this gene and may encompass additional genes. While this deletion is not anticipated to result in nonsense mediated decay, it is expected to create a truncated protein product or disrupt mRNA translation. This variant has not been reported in the literature in individuals with NRXN1-related conditions.

NC_000002.11:g.(?_50149082)_(50850763_?)del

Gene: NRXN1 (neurexin 1; minus strand). Cytogenetic location: 2p16.3.
Variant type: Deletion.
Identifiers: ClinVar variation 1019733 (VCV001019733.3).